The following is an entry in ClinVar:

NM_018834.6(MATR3):c.2483A>G (p.Gln828Arg)

Gene: MATR3 (matrin 3; plus strand). Cytogenetic location: 5q31.2.
Variant type: single nucleotide variant.
Coding change: c.2483A>G on transcript NM_018834.6 (MANE Select); coding-DNA position 2483, A replaced by G.
Protein change: p.Gln828Arg; replaces glutamine 828 with arginine.
Molecular consequence: missense variant.
Genome position (GRCh38, 1-based): chr5:139,326,274, A>G. VCF-style: chr5-139326274-A-G. GRCh37 (hg19) VCF-style: chr5-138661963-A-G.
Other names: c.2483A>G, p.Gln828Arg (NM_001194954.2, NM_001194955.2, NM_199189.3); c.1619A>G, p.Gln540Arg (NM_001194956.2); c.1469A>G, p.Gln490Arg (NM_001282278.2); short protein forms Q540R, Q490R, Q828R.
Identifiers: ClinVar variation 1465075 (VCV001465075.8), dbSNP rs2152024424, ClinGen allele CA361147167.

ClinVar aggregate classification (germline): Uncertain significance (1 of 4 stars; one submission).

Conditions:
Amyotrophic lateral sclerosis type 21. Also called: VOCAL CORD AND PHARYNGEAL DYSFUNCTION WITH DISTAL MYOPATHY; MYOPATHY, DISTAL, 2. Identifiers: Orphanet 600, Orphanet 803, MedGen C3807521, MONDO:0011632, OMIM 606070.

Submission:

Labcorp Genetics (formerly Invitae), Labcorp
Classification: Uncertain significance for Amyotrophic lateral sclerosis type 21. Last evaluated: 2022-06-20. Review status: criteria provided, single submitter. Criteria: Invitae Variant Classification Sherloc (09022015). Collection method: clinical testing. Allele origin: germline.
Comment: In summary, the available evidence is currently insufficient to determine the role of this variant in disease. Therefore, it has been classified as a Variant of Uncertain Significance. Algorithms developed to predict the effect of missense changes on protein structure and function are either unavailable or do not agree on the potential impact of this missense change (SIFT: "Deleterious"; PolyPhen-2: "Benign"; Align-GVGD: "Class C0"). This variant has not been reported in the literature in individuals affected with MATR3-related conditions. This variant is not present in population databases (gnomAD no frequency). This sequence change replaces glutamine, which is neutral and polar, with arginine, which is basic and polar, at codon 828 of the MATR3 protein (p.Gln828Arg).